The following is an entry in ClinVar:

ClinVar aggregate classification (germline): Uncertain significance (1 of 4 stars; one submission).

Conditions:
Pitt-Hopkins-like syndrome 2 (PTHSL2). Identifiers: Orphanet 221150, Orphanet 600663, MedGen C3280479, MONDO:0013690, OMIM 614325.

Submission:

Labcorp Genetics (formerly Invitae), Labcorp
Classification: Uncertain significance for Pitt-Hopkins-like syndrome 2. Last evaluated: 2024-03-02. Review status: criteria provided, single submitter. Criteria: Invitae Variant Classification Sherloc (09022015). Collection method: clinical testing. Allele origin: germline.
Comment: This sequence change replaces alanine, which is neutral and non-polar, with glycine, which is neutral and non-polar, at codon 944 of the NRXN1 protein (p.Ala944Gly). This variant is not present in population databases (gnomAD no frequency). This variant has not been reported in the literature in individuals affected with NRXN1-related conditions. An algorithm developed to predict the effect of missense changes on protein structure and function (PolyPhen-2) suggests that this variant is likely to be tolerated. In summary, the available evidence is currently insufficient to determine the role of this variant in disease. Therefore, it has been classified as a Variant of Uncertain Significance.

NM_001330078.2(NRXN1):c.2711C>G (p.Ala904Gly)

Gene: NRXN1 (neurexin 1; minus strand). Cytogenetic location: 2p16.3.
Variant type: single nucleotide variant.
Coding change: c.2711C>G on transcript NM_001330078.2 (MANE Select); coding-DNA position 2711, C replaced by G.
Protein change: p.Ala904Gly; replaces alanine 904 with glycine.
Molecular consequence: missense variant.
Genome position (GRCh38, 1-based): chr2:50,497,501, G>C on the plus strand (C>G on the coding strand, the complement: NRXN1 is on the minus strand). VCF-style: chr2-50497501-G-C. GRCh37 (hg19) VCF-style: chr2-50724639-G-C.
Other names: c.2831C>G, p.Ala944Gly (NM_001135659.3); c.2687C>G, p.Ala896Gly (NM_001330077.2, NM_001330082.2); c.2645C>G, p.Ala882Gly (NM_001330083.2, NM_001330084.2); c.2684C>G, p.Ala895Gly (NM_001330085.2); c.2711C>G, p.Ala904Gly (NM_001330086.2, NM_004801.6); c.2600C>G, p.Ala867Gly (NM_001330087.2, NM_001330096.2); c.2630C>G, p.Ala877Gly (NM_001330088.2); c.2708C>G, p.Ala903Gly (NM_001330093.2); and 2 more; short protein forms A867G, A904G, A900G, A903G, A944G, A877G, A882G, A887G.
Identifiers: ClinVar variation 3644166 (VCV003644166.2).
Genomic context (GRCh38, chr2:50,497,501, plus strand): 5'-TAGGCTTGCAAGGTAGCTAAGGCAACATAGCTCGATTTGGTCTTGAAGGTGACAGGATCT[G>C]CTATGATGTTCCTGAAGCCAAATCTGGCATTAAGCTCACAGTAATCTATGTCGCCATTTT-3'
Protein context (NP_001317007.1, residues 894-914): NARFGFRNII[Ala904Gly]DPVTFKTKSS